The following is an entry in ClinVar:

ClinVar aggregate classification (germline): Uncertain significance (1 of 4 stars; one submission).

Conditions:
Hereditary cancer-predisposing syndrome. Also called: Hereditary Cancer Syndrome; Neoplastic Syndromes, Hereditary; Hereditary neoplastic syndrome; Tumor predisposition. Identifiers: Orphanet 140162, MedGen C0027672, MeSH D009386, MONDO:0015356.

gnomAD v4.1: 2 of 1,614,044 alleles (0.00012%); highest among the groups gnomAD compares: Non-Finnish European, 0.00017%; no homozygotes.

Submission:

Labcorp Genetics (formerly Invitae), Labcorp
Classification: Uncertain significance for Hereditary cancer-predisposing syndrome. Last evaluated: 2024-05-23. Review status: criteria provided, single submitter. Criteria: Invitae Variant Classification Sherloc (09022015). Collection method: clinical testing. Allele origin: germline.
Comment: This sequence change replaces arginine, which is basic and polar, with threonine, which is neutral and polar, at codon 391 of the RAD50 protein (p.Arg391Thr). This variant is not present in population databases (gnomAD no frequency). This variant has not been reported in the literature in individuals affected with RAD50-related conditions. Advanced modeling of protein sequence and biophysical properties (such as structural, functional, and spatial information, amino acid conservation, physicochemical variation, residue mobility, and thermodynamic stability) performed at Invitae indicates that this missense variant is not expected to disrupt RAD50 protein function with a negative predictive value of 80%. In summary, the available evidence is currently insufficient to determine the role of this variant in disease. Therefore, it has been classified as a Variant of Uncertain Significance.

NM_005732.4(RAD50):c.1172G>C (p.Arg391Thr)

Gene: RAD50 (RAD50 double strand break repair protein; plus strand). Cytogenetic location: 5q31.1.
Variant type: single nucleotide variant.
Coding change: c.1172G>C on transcript NM_005732.4 (MANE Select); coding-DNA position 1172, G replaced by C.
Protein change: p.Arg391Thr; replaces arginine 391 with threonine.
Molecular consequence: missense variant.
Genome position (GRCh38, 1-based): chr5:132,588,807, G>C. VCF-style: chr5-132588807-G-C. GRCh37 (hg19) VCF-style: chr5-131924499-G-C.
Other names: short protein forms R391T.
Identifiers: ClinVar variation 3654331 (VCV003654331.2).
Genomic context (GRCh38, chr5:132,588,807, plus strand): 5'-TTCAGTCTTTGGCAACACAGCTAGAATTGGATGGCTTTGAGCGTGGACCATTCAGTGAAA[G>C]ACAGATTAAAAATTTTCACAAACTTGTGAGAGAGAGACAAGAAGGGGAAGCAAAAACTGC-3'
Protein context (NP_005723.2, residues 381-401): DGFERGPFSE[Arg391Thr]QIKNFHKLVR